The following is an entry in ClinVar:

ClinVar aggregate classification (germline): Uncertain significance (1 of 4 stars; one submission).

Submission:

Labcorp Genetics (formerly Invitae), Labcorp
Classification: Uncertain significance. Last evaluated: 2025-11-03. Review status: criteria provided, single submitter. Criteria: Invitae Variant Classification Sherloc (09022015). Collection method: clinical testing. Allele origin: germline.
Comment: This variant, c.2014_2016del, results in the deletion of 1 amino acid(s) of the TCF20 protein (p.Asn672del), but otherwise preserves the integrity of the reading frame. This variant is not present in population databases (gnomAD no frequency). This variant has not been reported in the literature in individuals affected with TCF20-related conditions. Experimental studies and prediction algorithms are not available or were not evaluated, and the functional significance of this variant is currently unknown. In summary, the available evidence is currently insufficient to determine the role of this variant in disease. Therefore, it has been classified as a Variant of Uncertain Significance.

NM_001378418.1(TCF20):c.2011AAC[1] (p.Asn672del)

Gene: TCF20 (transcription factor 20; minus strand). Cytogenetic location: 22q13.2.
Variant type: Microsatellite.
Coding change: c.2011AAC[1] on transcript NM_001378418.1 (MANE Select); one copy of the 3-base unit AAC starting at c.2011; the reference has two copies in a row; one copy, 3 bases deleted.
Protein change: p.Asn672del; deletes asparagine 672.
Genome position (GRCh38, 1-based): chr22:42,213,290-42,213,292, GTT deleted on the plus strand (AAC on the coding strand, the reverse complement: TCF20 is on the minus strand); deleting any 3 consecutive bases within chr22:42,213,290-42,213,295 gives the same sequence; the position shown is the placement nearest the transcript's 3' end. VCF-style (leftmost placement, unchanged base first): chr22-42213289-AGTT-A. GRCh37 (hg19) VCF-style: chr22-42609295-AGTT-A.
Other names: c.2011AAC[1], p.Asn672del (NM_005650.4, NM_181492.3); short protein forms N672del.
Identifiers: ClinVar variation 4810530 (VCV004810530.1).